The following is an entry in ClinVar:

ClinVar aggregate classification (germline): Uncertain significance (1 of 4 stars; one submission).

Allele frequency attached by ClinVar (database versions not stated): gnomAD 0.00001; TOPMed 0.00001; ExAC 0.00001; gnomAD exomes 0.00001; ESP Exome Variant Server 0.00015.

Submission:

Labcorp Genetics (formerly Invitae), Labcorp
Classification: Uncertain significance. Last evaluated: 2022-06-13. Review status: criteria provided, single submitter. Criteria: Invitae Variant Classification Sherloc (09022015). Collection method: clinical testing. Allele origin: germline.
Comment: This sequence change replaces tyrosine, which is neutral and polar, with cysteine, which is neutral and slightly polar, at codon 1210 of the LCT protein (p.Tyr1210Cys). This variant is present in population databases (rs142744180, gnomAD 0.003%). This variant has not been reported in the literature in individuals affected with LCT-related conditions. Algorithms developed to predict the effect of missense changes on protein structure and function are either unavailable or do not agree on the potential impact of this missense change (SIFT: "Not Available"; PolyPhen-2: "Possibly Damaging"; Align-GVGD: "Not Available"). In summary, the available evidence is currently insufficient to determine the role of this variant in disease. Therefore, it has been classified as a Variant of Uncertain Significance.

NM_002299.4(LCT):c.3629A>G (p.Tyr1210Cys)

Gene: LCT (lactase; minus strand). Cytogenetic location: 2q21.3.
Variant type: single nucleotide variant.
Coding change: c.3629A>G on transcript NM_002299.4 (MANE Select); coding-DNA position 3629, A replaced by G.
Protein change: p.Tyr1210Cys; replaces tyrosine 1210 with cysteine.
Molecular consequence: missense variant.
Genome position (GRCh38, 1-based): chr2:135,808,718, T>C on the plus strand (A>G on the coding strand, the complement: LCT is on the minus strand). VCF-style: chr2-135808718-T-C. GRCh37 (hg19) VCF-style: chr2-136566288-T-C.
Other names: short protein forms Y1210C.
Identifiers: ClinVar variation 1489416 (VCV001489416.5), dbSNP rs142744180, ClinGen allele CA1888027.